The following is an entry in ClinVar:

ClinVar aggregate classification (germline): Benign. Review status: criteria provided, multiple submitters, no conflicts (2 of 4 stars). 2 submissions from 2 submitters: Benign (2). Last evaluated 2018-06-19.

Allele frequency attached by ClinVar (database versions not stated): TOPMed 0.15812; 1000 Genomes Project 30x 0.19441; gnomAD 0.14154 and 0.14567; 1000 Genomes Project 0.18750.

Submissions (4):

GeneDx
Classification: Benign. Last evaluated: 2018-06-19. Review status: criteria provided, single submitter. Criteria: GeneDx Variant Classification (06012015). Collection method: clinical testing. Allele origin: germline. Affected: yes.
Comment: This variant is considered likely benign or benign based on one or more of the following criteria: it is a conservative change, it occurs at a poorly conserved position in the protein, it is predicted to be benign by multiple in silico algorithms, and/or has population frequency not consistent with disease.

Breakthrough Genomics
Classification: Benign. Review status: criteria provided, single submitter. Criteria: ACMG Guidelines, 2015. Collection method: not provided. Allele origin: germline. Inheritance: Autosomal dominant inheritance. Affected: yes.

Dr. Peter K. Rogan Lab, Western University
No classification provided (evidence only). Condition: Ovarian serous cystadenocarcinoma. Review status: no classification provided. Collection method: in vitro. Allele origin: not applicable. Functional consequence: retained intron. Not counted in ClinVar's aggregate classification.

Dr. Peter K. Rogan Lab, Western University
No classification provided (evidence only). Condition: Ovarian serous cystadenocarcinoma. Review status: no classification provided. Collection method: in vitro. Allele origin: not applicable. Functional consequence: retained intron. Not counted in ClinVar's aggregate classification.

NR_033967.1(SLC2A1-DT):n.363G>T

Genes: SLC2A1 (solute carrier family 2 member 1; minus strand), SLC2A1-DT (SLC2A1 divergent transcript; plus strand). Cytogenetic location: 1p34.2.
Variant type: single nucleotide variant.
Molecular consequence: non-coding transcript variant (on NR_033967.1).
Genome position: GRCh38 VCF-style: chr1-42959411-G-T. GRCh37 (hg19) VCF-style: chr1-43425082-G-T.
Identifiers: ClinVar variation 668835 (VCV000668835.5), dbSNP rs62621848, ClinGen allele CA21272653.